The following is an entry in ClinVar:

NM_007194.4(CHEK2):c.1056T>A (p.Asn352Lys)

Gene: CHEK2 (checkpoint kinase 2; minus strand). Cytogenetic location: 22q12.1.
Variant type: single nucleotide variant.
Coding change: c.1056T>A on transcript NM_007194.4 (MANE Select); coding-DNA position 1056, T replaced by A.
Protein change: p.Asn352Lys; replaces asparagine 352 with lysine.
Molecular consequence: missense variant. On other transcripts: intron variant (3).
Genome position (GRCh38, 1-based): chr22:28,696,940, A>T on the plus strand (T>A on the coding strand, the complement: CHEK2 is on the minus strand). VCF-style: chr22-28696940-A-T. GRCh37 (hg19) VCF-style: chr22-29092928-A-T.
Other names: c.855T>A, p.Asn285Lys (NM_001349956.3); c.393T>A, p.Asn131Lys (NM_001437942.1, NM_001257387.3); c.1149T>A, p.Asn383Lys (NM_001438293.1); c.1009-1067T>A (NM_145862.3); c.1102-1067T>A (NM_001438295.1); c.1138-1067T>A (NM_001438294.1); c.1185T>A, p.Asn395Lys (NM_001005735.3); short protein forms N285K, N131K, N352K, N395K, N383K.
Identifiers: ClinVar variation 656654 (VCV000656654.15), dbSNP rs1060502709, ClinGen allele CA411097631.
Genomic context (GRCh38, chr22:28,696,940, plus strand): 5'-TACAGAATGCCAATTTCTTACCTTTATAAGACAGTCCTCTTCTTGAGATGACAGTAAAAC[A>T]TTCTCTGGCTTTAAGTCACGGTGTATAATACCGTTTTCATGAAGGTACTACACAGAAAGG-3'
Protein context (NP_009125.1, residues 342-362): GIIHRDLKPE[Asn352Lys]VLLSSQEEDC

ClinVar aggregate classification (germline): Uncertain significance. Review status: criteria provided, multiple submitters, no conflicts (2 of 4 stars). 2 submissions from 2 submitters: Uncertain significance (2). Last evaluated 2025-05-15.

Conditions:
Hereditary cancer-predisposing syndrome. Also called: Hereditary neoplastic syndrome; Tumor predisposition; Neoplastic Syndromes, Hereditary; Hereditary Cancer Syndrome. Identifiers: Orphanet 140162, MedGen C0027672, MeSH D009386, MONDO:0015356.
Familial cancer of breast. Also called: Hereditary breast cancer; hereditary breast carcinoma; BREAST CANCER, FAMILIAL. Identifiers: Orphanet 227535, MedGen C0346153, MONDO:0016419, OMIM 114480. Disease mechanism: loss of function.

Submissions (2):

Ambry Genetics
Classification: Uncertain significance for Hereditary cancer-predisposing syndrome. Last evaluated: 2025-05-15. Review status: criteria provided, single submitter. Criteria: Ambry Variant Classification Scheme 2023. Collection method: clinical testing. Allele origin: germline.
Comment: The p.N352K variant (also known as c.1056T>A), located in coding exon 9 of the CHEK2 gene, results from a T to A substitution at nucleotide position 1056. The asparagine at codon 352 is replaced by lysine, an amino acid with similar properties. This amino acid position is highly conserved in available vertebrate species. In addition, this alteration is predicted to be inconclusive by in silico analyses. Since supporting evidence is limited at this time, the clinical significance of this alteration remains unclear.

Labcorp Genetics (formerly Invitae), Labcorp
Classification: Uncertain significance for Familial cancer of breast. Last evaluated: 2024-05-05. Review status: criteria provided, single submitter. Criteria: Invitae Variant Classification Sherloc (09022015). Collection method: clinical testing. Allele origin: germline.
Comment: This sequence change replaces asparagine, which is neutral and polar, with lysine, which is basic and polar, at codon 352 of the CHEK2 protein (p.Asn352Lys). This variant is not present in population databases (gnomAD no frequency). This variant has not been reported in the literature in individuals affected with CHEK2-related conditions. ClinVar contains an entry for this variant (Variation ID: 656654). An algorithm developed to predict the effect of missense changes on protein structure and function (PolyPhen-2) suggests that this variant is likely to be disruptive. In summary, the available evidence is currently insufficient to determine the role of this variant in disease. Therefore, it has been classified as a Variant of Uncertain Significance.